The following is an entry in ClinVar:

NM_004655.4(AXIN2):c.2489T>A (p.Met830Lys)

Gene: AXIN2 (axin 2; minus strand). Cytogenetic location: 17q24.1.
Variant type: single nucleotide variant.
Coding change: c.2489T>A on transcript NM_004655.4 (MANE Select); coding-DNA position 2489, T replaced by A.
Protein change: p.Met830Lys; replaces methionine 830 with lysine.
Molecular consequence: missense variant.
Genome position (GRCh38, 1-based): chr17:65,530,019, A>T on the plus strand (T>A on the coding strand, the complement: AXIN2 is on the minus strand). VCF-style: chr17-65530019-A-T. GRCh37 (hg19) VCF-style: chr17-63526137-A-T.
Other names: c.2489T>A (LRG_296t1); c.2294T>A, p.Met765Lys (NM_001363813.1); short protein forms M830K, M765K.
Identifiers: ClinVar variation 240016 (VCV000240016.14), dbSNP rs878854727, ClinGen allele CA10583644.

ClinVar aggregate classification (germline): Uncertain significance. Review status: criteria provided, multiple submitters, no conflicts (2 of 4 stars). 4 submissions from 4 submitters: Uncertain significance (4). Last evaluated 2026-01-16.

Conditions:
AXIN2-related disorder.
Hereditary cancer-predisposing syndrome. Also called: Neoplastic Syndromes, Hereditary; Hereditary neoplastic syndrome; Hereditary Cancer Syndrome; Tumor predisposition. Identifiers: Orphanet 140162, MedGen C0027672, MeSH D009386, MONDO:0015356.
Oligodontia-cancer predisposition syndrome. Also called: TOOTH AGENESIS-COLORECTAL CANCER SYNDROME. Identifiers: Orphanet 300576, MedGen C1837750, MONDO:0012075, OMIM 608615. Disease mechanism: loss of function.

Allele frequency attached by ClinVar (database versions not stated): TOPMed below 0.00001; gnomAD 0.00001.
gnomAD v4.1: 10 of 1,614,056 alleles (0.00062%); highest among the groups gnomAD compares: Non-Finnish European, 0.00076%; no homozygotes.

Submissions (4):

Labcorp Genetics (formerly Invitae), Labcorp
Classification: Uncertain significance for Oligodontia-cancer predisposition syndrome. Last evaluated: 2026-01-16. Review status: criteria provided, single submitter. Criteria: Invitae Variant Classification Sherloc (09022015). Collection method: clinical testing. Allele origin: germline.
Comment: This sequence change replaces methionine, which is neutral and non-polar, with lysine, which is basic and polar, at codon 830 of the AXIN2 protein (p.Met830Lys). This variant is present in population databases (no rsID available, gnomAD 0.0009%). This variant has not been reported in the literature in individuals affected with AXIN2-related conditions. ClinVar contains an entry for this variant (Variation ID: 240016). Invitae Evidence Modeling of protein sequence and biophysical properties (such as structural, functional, and spatial information, amino acid conservation, physicochemical variation, residue mobility, and thermodynamic stability) has been performed for this missense variant. However, the output from this modeling did not meet the statistical confidence thresholds required to predict the impact of this variant on AXIN2 protein function. In summary, the available evidence is currently insufficient to determine the role of this variant in disease. Therefore, it has been classified as a Variant of Uncertain Significance.

Ambry Genetics
Classification: Uncertain significance for Hereditary cancer-predisposing syndrome. Last evaluated: 2025-12-09. Review status: criteria provided, single submitter. Criteria: Ambry Variant Classification Scheme 2023. Collection method: clinical testing. Allele origin: germline.
Comment: The p.M830K variant (also known as c.2489T>A), located in coding exon 10 of the AXIN2 gene, results from a T to A substitution at nucleotide position 2489. The methionine at codon 830 is replaced by lysine, an amino acid with similar properties. This amino acid position is well conserved in available vertebrate species. In addition, the in silico prediction for this alteration is inconclusive. Since supporting evidence is limited at this time, the clinical significance of this alteration remains unclear.

PreventionGenetics, part of Exact Sciences
Classification: Uncertain significance for AXIN2-related condition. Last evaluated: 2025-01-20. Review status: criteria provided, single submitter. Criteria: ACMG Guidelines, 2015. Collection method: clinical testing. Allele origin: germline.
Comment: The AXIN2 c.2489T>A variant is predicted to result in the amino acid substitution p.Met830Lys. To our knowledge, this variant has not been reported in the literature. A different missense variant impacting the same amino acid (p.Met830Ile) was reported in a patient with nonsyndromic oligodontia (Wong et al. 2014. PubMed ID: 24581859). This variant is reported in 0.00088% of alleles in individuals of European (Non-Finnish) descent in gnomAD and is interpreted as uncertain in ClinVar. At this time, the clinical significance of this variant is uncertain due to the absence of conclusive functional and genetic evidence.

Sema4
Classification: Uncertain significance for Hereditary cancer-predisposing syndrome. Last evaluated: 2021-12-28. Review status: criteria provided, single submitter. Criteria: Sema4 Curation Guidelines. Collection method: curation. Allele origin: germline.
Comment: To the best of our knowledge, the AXIN2 c.2489T>A (p.M830K) variant has not been reported in individuals with AXIN2-related disease. It was observed in 1/113762 chromosomes in the European (non-Finnish) population, according to the Genome Aggregation Database (PMID: 32461654). This variant has been reported in ClinVar (Variation ID: 240016). Functional studies have not been performed, and in silico predictions of the variant's effect on protein function are inconclusive. The evidence is insufficient to meet ACMG/AMP criteria for classifying the variant as benign or pathogenic. Thus, the clinical significance of this variant is currently uncertain.